The following is an entry in ClinVar:

ClinVar aggregate classification (germline): Uncertain significance. Review status: criteria provided, multiple submitters, no conflicts (2 of 4 stars). 2 submissions from 2 submitters: Uncertain significance (2). Last evaluated 2023-03-26.

Conditions:
Dystonia 5 (DRD). Also called: DYT-GCH1; DYSTONIA, PROGRESSIVE, WITH DIURNAL VARIATION; DYSTONIA-PARKINSONISM WITH DIURNAL FLUCTUATION; GTP Cyclohydrolase 1-Deficient Dopa-Responsive Dystonia; Dystonia, DOPA-responsive, with or without hyperphenylalaninemia. Identifiers: Orphanet 98808, MedGen C1851920, MONDO:0007495, OMIM 128230.
GTP cyclohydrolase I deficiency. Identifiers: MedGen C0268467, MONDO:0100184.

gnomAD v4.1: 1 of 1,576,046 alleles (0.000063%); highest among the groups gnomAD compares: Non-Finnish European, 0.000087%; no homozygotes.

Submissions (2):

GeneDx
Classification: Uncertain significance. Last evaluated: 2023-03-26. Review status: criteria provided, single submitter. Criteria: GeneDx Variant Classification Process June 2021. Collection method: clinical testing. Allele origin: germline. Affected: yes.
Comment: Not observed at significant frequency in large population cohorts (gnomAD); In silico analysis supports that this missense variant has a deleterious effect on protein structure/function; Has not been previously published as pathogenic or benign to our knowledge

Labcorp Genetics (formerly Invitae), Labcorp
Classification: Uncertain significance for GTP cyclohydrolase I deficiency; Dystonia 5. Last evaluated: 2022-09-13. Review status: criteria provided, single submitter. Criteria: Invitae Variant Classification Sherloc (09022015). Collection method: clinical testing. Allele origin: germline.
Comment: This sequence change replaces alanine, which is neutral and non-polar, with glycine, which is neutral and non-polar, at codon 169 of the GCH1 protein (p.Ala169Gly). This variant is not present in population databases (gnomAD no frequency). This variant has not been reported in the literature in individuals affected with GCH1-related conditions. Advanced modeling of protein sequence and biophysical properties (such as structural, functional, and spatial information, amino acid conservation, physicochemical variation, residue mobility, and thermodynamic stability) performed at Invitae indicates that this missense variant is not expected to disrupt GCH1 protein function. In summary, the available evidence is currently insufficient to determine the role of this variant in disease. Therefore, it has been classified as a Variant of Uncertain Significance.

NM_000161.3(GCH1):c.506C>G (p.Ala169Gly)

Gene: GCH1 (GTP cyclohydrolase 1; minus strand). Cytogenetic location: 14q22.2.
Variant type: single nucleotide variant.
Coding change: c.506C>G on transcript NM_000161.3 (MANE Select); coding-DNA position 506, C replaced by G.
Protein change: p.Ala169Gly; replaces alanine 169 with glycine.
Molecular consequence: missense variant.
Genome position (GRCh38, 1-based): chr14:54,859,684, G>C on the plus strand (C>G on the coding strand, the complement: GCH1 is on the minus strand). VCF-style: chr14-54859684-G-C. GRCh37 (hg19) VCF-style: chr14-55326402-G-C.
Other names: c.506C>G, p.Ala169Gly (NM_001024024.2, NM_001024070.2, NM_001024071.2); c.506C>G (NM_000161.2); short protein forms A169G.
Identifiers: ClinVar variation 2160726 (VCV002160726.2), dbSNP rs1362858344, ClinGen allele CA389788281.